The following is an entry in ClinVar:

NM_017802.4(DNAAF5):c.960_961del (p.Asn320fs)

Gene: DNAAF5 (dynein axonemal assembly factor 5; plus strand). Cytogenetic location: 7p22.3.
Variant type: Deletion.
Coding change: c.960_961del on transcript NM_017802.4 (MANE Select); coding-DNA positions 960 to 961, 2 bases deleted (TG; older notation c.960_961delTG).
Protein change: p.Asn320fs; shifts the reading frame from asparagine 320.
Molecular consequence: frameshift variant. On other transcripts: non-coding transcript variant (1).
Genome position (GRCh38, 1-based): chr7:741,401-741,402, TG deleted. VCF-style (leftmost placement, unchanged base first): chr7-741400-ATG-A. GRCh37 (hg19) VCF-style: chr7-781037-ATG-A.
Other names: short protein forms N320fs.
Identifiers: ClinVar variation 2911339 (VCV002911339.3), dbSNP rs1781905532, ClinGen allele CA913185948.

ClinVar aggregate classification (germline): Pathogenic (1 of 4 stars; one submission).

Conditions:
Primary ciliary dyskinesia. Also called: Ciliary dyskinesia. Identifiers: Orphanet 244, MedGen C0008780, MONDO:0016575, HP:0012265.

Allele frequency attached by ClinVar (database versions not stated): gnomAD 0.00001; TOPMed 0.00001; gnomAD exomes 0.00002.

Submission:

Labcorp Genetics (formerly Invitae), Labcorp
Classification: Pathogenic for Primary ciliary dyskinesia. Last evaluated: 2025-11-27. Review status: criteria provided, single submitter. Criteria: Invitae Variant Classification Sherloc (09022015). Collection method: clinical testing. Allele origin: germline.
Comment: This sequence change creates a premature translational stop signal (p.Asn320Lysfs*22) in the DNAAF5 gene. It is expected to result in an absent or disrupted protein product. Loss-of-function variants in DNAAF5 are known to be pathogenic (PMID: 24307375, 25232951). This variant is not present in population databases (gnomAD no frequency). This variant has not been reported in the literature in individuals affected with DNAAF5-related conditions. ClinVar contains an entry for this variant (Variation ID: 2911339). For these reasons, this variant has been classified as Pathogenic.

Literature cited by the submitters: PubMed 24307375; PubMed 25232951.